The following is an entry in ClinVar:

NM_003124.5(SPR):c.610G>C (p.Asp204His)

Gene: SPR (sepiapterin reductase; plus strand). Cytogenetic location: 2p13.2.
Variant type: single nucleotide variant.
Coding change: c.610G>C on transcript NM_003124.5 (MANE Select); coding-DNA position 610, G replaced by C.
Protein change: p.Asp204His; replaces aspartic acid 204 with histidine.
Molecular consequence: missense variant.
Genome position (GRCh38, 1-based): chr2:72,891,361, G>C. VCF-style: chr2-72891361-G-C. GRCh37 (hg19) VCF-style: chr2-73118490-G-C.
Other names: short protein forms D204H.
Identifiers: ClinVar variation 931100 (VCV000931100.3), dbSNP rs1430511579, ClinGen allele CA347232380.

ClinVar aggregate classification (germline): Uncertain significance (1 of 4 stars; one submission).

Conditions:
Dopa-responsive dystonia due to sepiapterin reductase deficiency. Also called: Sepiapterin reductase deficiency; SPR DEFICIENCY; DYT-SPR. Identifiers: Orphanet 70594, MedGen C0268468, MONDO:0012994, OMIM 612716.

Allele frequency attached by ClinVar (database versions not stated): gnomAD 0.00001; gnomAD exomes 0.00001; TOPMed 0.00001.
gnomAD v4.1: 8 of 1,614,042 alleles (0.0005%); highest among the groups gnomAD compares: Non-Finnish European, 0.00068%; no homozygotes.

Submission:

Centre for Mendelian Genomics, University Medical Centre Ljubljana
Classification: Uncertain significance for Dopa-responsive dystonia due to sepiapterin reductase deficiency. Last evaluated: 2019-03-05. Review status: criteria provided, single submitter. Criteria: ACMG Guidelines, 2015. Collection method: clinical testing. Allele origin: unknown. Affected: yes.
Comment: This variant was classified as: Uncertain significance. The available evidence on this variant's pathogenicity is insufficient or conflicting. The following ACMG criteria were applied in classifying this variant: PM2.